The following is an entry in ClinVar:

ClinVar aggregate classification (germline): Uncertain significance (1 of 4 stars; one submission).

Submission:

Labcorp Genetics (formerly Invitae), Labcorp
Classification: Uncertain significance. Last evaluated: 2024-11-03. Review status: criteria provided, single submitter. Criteria: Invitae Variant Classification Sherloc (09022015). Collection method: clinical testing. Allele origin: germline.
Comment: This sequence change replaces threonine, which is neutral and polar, with asparagine, which is neutral and polar, at codon 288 of the LZTR1 protein (p.Thr288Asn). This variant is not present in population databases (gnomAD no frequency). This variant has not been reported in the literature in individuals affected with LZTR1-related conditions. Invitae Evidence Modeling of protein sequence and biophysical properties (such as structural, functional, and spatial information, amino acid conservation, physicochemical variation, residue mobility, and thermodynamic stability) indicates that this missense variant is not expected to disrupt LZTR1 protein function with a negative predictive value of 80%. In summary, the available evidence is currently insufficient to determine the role of this variant in disease. Therefore, it has been classified as a Variant of Uncertain Significance.

NM_006767.4(LZTR1):c.863C>A (p.Thr288Asn)

Gene: LZTR1 (leucine zipper like post translational regulator 1; plus strand). Cytogenetic location: 22q11.21.
Variant type: single nucleotide variant.
Coding change: c.863C>A on transcript NM_006767.4 (MANE Select); coding-DNA position 863, C replaced by A.
Protein change: p.Thr288Asn; replaces threonine 288 with asparagine.
Molecular consequence: missense variant.
Genome position (GRCh38, 1-based): chr22:20,991,699, C>A. VCF-style: chr22-20991699-C-A. GRCh37 (hg19) VCF-style: chr22-21345988-C-A.
Other names: short protein forms T288N.
Identifiers: ClinVar variation 3665600 (VCV003665600.2).
Genomic context (GRCh38, chr22:20,991,699, plus strand): 5'-TCCCAACTGAACACCTGCTCCGGGGCTCCCCACCACCCCCGCAGCGGCGCTACGGGCATA[C>A]CATGGTGGCCTTTGACCGCCACCTCTATGTGTTTGGGGGTGCGGCCGACAACACGCTGCC-3'
Protein context (NP_006758.2, residues 278-298): PPPPQRRYGH[Thr288Asn]MVAFDRHLYV